The following is an entry in ClinVar:

ClinVar aggregate classification (germline): Likely benign. Review status: criteria provided, multiple submitters, no conflicts (2 of 4 stars). 2 submissions from 2 submitters: Likely benign (2). Last evaluated 2024-11-14.

Conditions:
Epidermolysis bullosa simplex with nail dystrophy (EBS5D). Identifiers: MedGen C4225309, MONDO:0014661, OMIM 616487.
Epidermolysis bullosa simplex, Ogna type (EBS5A). Also called: Pidermolysis bullosa simplex 5A, Ogna type; EPIDERMOLYSIS BULLOSA SIMPLEX 5A, OGNA TYPE. Identifiers: Orphanet 79401, MedGen C0432317, MONDO:0007555, OMIM 131950.
Autosomal recessive limb-girdle muscular dystrophy type 2Q (LGMDR17). Also called: MUSCULAR DYSTROPHY, LIMB-GIRDLE, AUTOSOMAL RECESSIVE 17. Identifiers: Orphanet 254361, MedGen C3150989, MONDO:0013390, OMIM 613723.
Epidermolysis bullosa simplex 5B, with muscular dystrophy (EBS5B). Also called: EPIDERMOLYSIS BULLOSA SIMPLEX AND LIMB-GIRDLE MUSCULAR DYSTROPHY; Epidermolysis bullosa simplex with muscular dystrophy. Identifiers: Orphanet 257, MedGen C2931072, MONDO:0009181, OMIM 226670.
Epidermolysis bullosa simplex 5C, with pyloric atresia (EBS5C). Also called: PLEC-Related Epidermolysis Bullosa with Pyloric Atresia; Epidermolysis bullosa simplex with pyloric atresia; PLEC1-Related Epidermolysis Bullosa with Pyloric Atresia. Identifiers: Orphanet 158684, MedGen C2677349, MONDO:0012807, OMIM 612138.

gnomAD v4.1: 5 of 1,592,838 alleles (0.00031%); highest among the groups gnomAD compares: Middle Eastern, 0.017%; no homozygotes.

Submissions (2):

Labcorp Genetics (formerly Invitae), Labcorp
Classification: Likely benign for Autosomal recessive limb-girdle muscular dystrophy type 2Q; Epidermolysis bullosa simplex, Ogna type; Epidermolysis bullosa simplex with nail dystrophy; Epidermolysis bullosa simplex 5C, with pyloric atresia; Epidermolysis bullosa simplex 5B, with muscular dystrophy. Last evaluated: 2024-11-14. Review status: criteria provided, single submitter. Criteria: Invitae Variant Classification Sherloc (09022015). Collection method: clinical testing. Allele origin: germline.

CeGaT Center for Human Genetics Tuebingen
Classification: Likely benign. Last evaluated: 2022-10-01. Review status: criteria provided, single submitter. Criteria: CeGaT Center For Human Genetics Tuebingen Variant Classification Criteria Version 2. Collection method: clinical testing. Allele origin: germline. Affected: yes. Observed: 1 variant allele.
Comment: PLEC: BP4, BP7

NM_201384.3(PLEC):c.11550C>T (p.Ser3850=)

Gene: PLEC (plectin; minus strand). Cytogenetic location: 8q24.3.
Variant type: single nucleotide variant.
Coding change: c.11550C>T on transcript NM_201384.3 (MANE Select); coding-DNA position 11550, C replaced by T.
Protein change: p.Ser3850=; no amino-acid change (serine 3850 retained).
Molecular consequence: synonymous variant.
Genome position (GRCh38, 1-based): chr8:143,918,271, G>A on the plus strand (C>T on the coding strand, the complement: PLEC is on the minus strand). VCF-style: chr8-143918271-G-A. GRCh37 (hg19) VCF-style: chr8-144992439-G-A.
Other names: c.11631C>T, p.Ser3877= (NM_000445.5); c.8250C>T, p.Ser2750= (NM_001410941.1); c.11508C>T, p.Ser3836= (NM_201378.4); c.11484C>T, p.Ser3828= (NM_201379.3); c.11961C>T, p.Ser3987= (NM_201380.4); c.11454C>T, p.Ser3818= (NM_201381.3); c.11550C>T, p.Ser3850= (NM_201382.4); c.11562C>T, p.Ser3854= (NM_201383.3).
Identifiers: ClinVar variation 2658939 (VCV002658939.27), dbSNP rs781907526, ClinGen allele CA463528288.